The following is an entry in ClinVar:

NM_015541.3(LRIG1):c.1317C>T (p.Ser439=)

Gene: LRIG1 (leucine rich repeats and immunoglobulin like domains 1; minus strand). Cytogenetic location: 3p14.1.
Variant type: single nucleotide variant.
Coding change: c.1317C>T on transcript NM_015541.3 (MANE Select); coding-DNA position 1317, C replaced by T.
Protein change: p.Ser439=; no amino-acid change (serine 439 retained).
Molecular consequence: synonymous variant. On other transcripts: genic upstream transcript variant (1).
Genome position (GRCh38, 1-based): chr3:66,394,191, G>A on the plus strand (C>T on the coding strand, the complement: LRIG1 is on the minus strand). VCF-style: chr3-66394191-G-A. GRCh37 (hg19) VCF-style: chr3-66444615-G-A.
Other names: c.1242C>T, p.Ser414= (NM_001377344.1); c.537C>T, p.Ser179= (NM_001377345.1, NM_001377346.1); c.315C>T, p.Ser105= (NM_001377347.1); c.288C>T, p.Ser96= (NM_001377348.1); c.33C>T, p.Ser11= (NM_001377349.1).
Identifiers: ClinVar variation 403056 (VCV000403056.7), dbSNP rs6793110, ClinGen allele CA2484771.
Genomic context (GRCh38, chr3:66,394,191, plus strand): 5'-CATCCTGCCAATTAGCCACGGGGGCAGCCACTTCAGCTGGCAGTCACACAGGAAGCTGTC[G>A]CTGCTGATATGGCTGAAAGAAACACAACAGTGGATGCTTCAGGTGCAGCCGCAAAGGAGG-3'
Protein context (NP_056356.2, residues 429-449): MKNLKELHIS[Ser439=]DSFLCDCQLK

ClinVar aggregate classification (germline): Benign. Review status: criteria provided, multiple submitters, no conflicts (2 of 4 stars). 3 submissions from 3 submitters: Benign (2). 1 of the submissions does not count toward it. Last evaluated 2016-03-29.

Conditions:
LRIG1-related disorder. Also called: LRIG1-related condition.

Allele frequency attached by ClinVar (database versions not stated): gnomAD exomes 0.23768 and 0.25827; ExAC 0.26858; 1000 Genomes Project 0.28155; 1000 Genomes Project 30x 0.28763; gnomAD 0.30184 and 0.30941; ESP Exome Variant Server 0.30732; TOPMed 0.30859.
gnomAD v4.1: 387,752 of 1,593,816 alleles (24%); highest among the groups gnomAD compares: African/African-American, 46%; 50,915 homozygotes.

Submissions (3):

Laboratory for Molecular Medicine, Mass General Brigham Personalized Medicine
Classification: Benign. Last evaluated: 2016-03-29. Review status: criteria provided, single submitter. Criteria: LMM Criteria. Collection method: clinical testing. Allele origin: germline.
Comment: Variant identified in a genome or exome case(s) and assessed due to predicted null impact of the variant or pathogenic assertions in the literature or databases. Disclaimer: This variant has not undergone full assessment. The following are preliminary notes: Frequency

Breakthrough Genomics
Classification: Benign. Review status: criteria provided, single submitter. Criteria: ACMG Guidelines, 2015. Collection method: not provided. Allele origin: germline. Inheritance: Unknown mechanism. Affected: yes.

PreventionGenetics, part of Exact Sciences
Classification: Benign for LRIG1-related condition. Last evaluated: 2019-10-18. Review status: no assertion criteria provided. Collection method: clinical testing. Allele origin: germline. Not counted in ClinVar's aggregate classification.
Comment: This variant is classified as benign based on ACMG/AMP sequence variant interpretation guidelines (Richards et al. 2015 PMID: 25741868, with internal and published modifications).